The following is an entry in ClinVar:

ClinVar aggregate classification (germline): Likely pathogenic (1 of 4 stars; one submission).

Conditions:
Mucopolysaccharidosis, MPS-II (MPS2). Also called: Hunter Syndrome; IDURONATE 2-SULFATASE DEFICIENCY; Mucopolysaccharidosis Type II; Mucopolysaccharidosis type 2; Attenuated MPS (subtype; formerly known as mild MPS II); Severe MPS II. Identifiers: Orphanet 580, Orphanet 79388, MedGen C0026705, MONDO:0010674, OMIM 309900.

Submission:

Laboratory of Diagnosis and Therapy of Lysosomal Disorders, University of Padova
Classification: Likely pathogenic for Mucopolysaccharidosis, MPS-II. Last evaluated: 2024-06-07. Review status: criteria provided, single submitter. Criteria: ACMG Guidelines, 2015. Collection method: literature only. Allele origin: germline. Affected: yes. Observed: 3 variant alleles.
Comment: In vitro or in vivo functional studies supportive of a damaging effect (PS3_Moderate), Absent from controls (or at low frequency) in gnomAD database (PM2_Moderate), Missense variant in a gene with a low rate of benign missense variation (PP2_Supporting), Multiple lines of computational evidence support a deleterious effect (PP3_Supporting), Patient’s phenotype or family history highly specific for the disease (PP4_Moderate)

Classification method: ACMG Guidelines [PMID:25741868] with modifications

Literature cited by the submitters: PubMed 24125893; PubMed 27246110; PubMed 28543354.

NM_000202.8(IDS):c.182C>A (p.Ser61Tyr)

Gene: IDS (iduronate 2-sulfatase; minus strand). Cytogenetic location: Xq28.
Variant type: single nucleotide variant.
Coding change: c.182C>A on transcript NM_000202.8 (MANE Select); coding-DNA position 182, C replaced by A.
Protein change: p.Ser61Tyr; replaces serine 61 with tyrosine.
Molecular consequence: missense variant. On other transcripts: 5 prime UTR variant (1), non-coding transcript variant (1).
Genome position (GRCh38, 1-based): chrX:149,504,215, G>T on the plus strand (C>A on the coding strand, the complement: IDS is on the minus strand). VCF-style: chrX-149504215-G-T. GRCh37 (hg19) VCF-style: chrX-148585745-G-T.
Other names: c.-45C>A (NM_001166550.4); c.182C>A, p.Ser61Tyr (NM_006123.5); short protein forms S61Y.
Identifiers: ClinVar variation 3256002 (VCV003256002.2).
Genomic context (GRCh38, chrX:149,504,215, plus strand): 5'-ACCTGCGCAAAGGCATTCTGGAAGAGGAGGCTGTGGGATGCCAGTTGGTCAATATTTGGG[G>T]ACCTCACCAGCTTATCCCCATAACAGCCCAGGGAGGGGCGCAGGTCATCCACGATGATGA-3'
Protein context (NP_000193.1, residues 51-71): LGCYGDKLVR[Ser61Tyr]PNIDQLASHS